The following is an entry in ClinVar:

ClinVar aggregate classification (germline): Benign (0 of 4 stars; one submission).

Conditions:
EHBP1-related disorder. Also called: EHBP1-related condition.

Allele frequency attached by ClinVar (database versions not stated): 1000 Genomes Project 30x 0.06012; 1000 Genomes Project 0.06130; TOPMed 0.08758; gnomAD 0.09505; ESP Exome Variant Server 0.10145; ExAC 0.10596; gnomAD exomes 0.12644.
gnomAD v4.1: 198,104 of 1,613,406 alleles (12%); highest among the groups gnomAD compares: Non-Finnish European, 14%; 13,225 homozygotes.

Submission:

PreventionGenetics, part of Exact Sciences
Classification: Benign for EHBP1-related condition. Last evaluated: 2019-10-21. Review status: no assertion criteria provided. Collection method: clinical testing. Allele origin: germline.
Comment: This variant is classified as benign based on ACMG/AMP sequence variant interpretation guidelines (Richards et al. 2015 PMID: 25741868, with internal and published modifications).

NM_001142616.3(EHBP1):c.2158A>C (p.Lys720Gln)

Gene: EHBP1 (EH domain binding protein 1; plus strand). Cytogenetic location: 2p15.
Variant type: single nucleotide variant.
Coding change: c.2158A>C on transcript NM_001142616.3 (MANE Select); coding-DNA position 2158, A replaced by C.
Protein change: p.Lys720Gln; replaces lysine 720 with glutamine.
Molecular consequence: missense variant. On other transcripts: intron variant (2).
Genome position (GRCh38, 1-based): chr2:62,949,004, A>C. VCF-style: chr2-62949004-A-C. GRCh37 (hg19) VCF-style: chr2-63176139-A-C.
Other names: c.2158A>C, p.Lys720Gln (NM_001142614.2, NM_001142615.3, NM_001354218.1 and 2 more transcripts); c.2263A>C, p.Lys755Gln (NM_001354212.1, NM_001354213.1, NM_001354214.1 and 4 more transcripts); c.1575+688A>C (NM_001354221.2); c.1470+688A>C (NM_001354222.2); short protein forms K720Q, K755Q.
Identifiers: ClinVar variation 3060967 (VCV003060967.2), dbSNP rs17432615, ClinGen allele CA1681293.